The following is an entry in ClinVar:

ClinVar aggregate classification (germline): Pathogenic. Review status: criteria provided, multiple submitters, no conflicts (2 of 4 stars). 2 submissions from 2 submitters: Pathogenic (2). Last evaluated 2026-05-29.

Conditions:
Retinoblastoma (RB1). Also called: RETINOBLASTOMA, SOMATIC. Identifiers: Orphanet 790, MedGen C0035335, MeSH D012175, MONDO:0008380, OMIM 180200, HP:0009919. Disease mechanism: loss of function. Inheritance: Both sporadic and heritable forms are tested..

Submissions (2):

Diller/Parad Lab, Dana-Farber/Harvard Cancer Center
Classification: Pathogenic for Retinoblastoma. Last evaluated: 2026-05-29. Review status: criteria provided, single submitter. Criteria: ACMG Guidelines, 2015. Collection method: research. Allele origin: germline. Affected: yes.
Comment: It has been classified as Pathogenic using Richards et al (PMID:25741868) based on the following evidence codes: PM2, PP3, PM1.

Labcorp Genetics (formerly Invitae), Labcorp
Classification: Pathogenic for Retinoblastoma. Last evaluated: 2023-08-30. Review status: criteria provided, single submitter. Criteria: Invitae Variant Classification Sherloc (09022015). Collection method: clinical testing. Allele origin: germline.
Comment: This sequence change replaces glutamine, which is neutral and polar, with histidine, which is basic and polar, at codon 444 of the RB1 protein (p.Gln444His). This variant also falls at the last nucleotide of exon 13, which is part of the consensus splice site for this exon. This variant is not present in population databases (gnomAD no frequency). For these reasons, this variant has been classified as Pathogenic. Variants that disrupt the consensus splice site are a relatively common cause of aberrant splicing (PMID: 17576681, 9536098). Algorithms developed to predict the effect of sequence changes on RNA splicing suggest that this variant may disrupt the consensus splice site. Experimental studies are conflicting or provide insufficient evidence to determine the effect of this variant on RB1 function (PMID: 18181215). An algorithm developed to predict the effect of missense changes on protein structure and function (PolyPhen-2) suggests that this variant is likely to be disruptive. ClinVar contains an entry for this variant (Variation ID: 527917). This missense change has been observed in individual(s) with bilateral retinoblastoma (PMID: 18181215, 21520333; Invitae). In at least one individual the variant was observed to be de novo.

Literature cited by the submitters: PubMed 17576681 (cited by Labcorp Genetics (formerly Invitae), Labcorp); PubMed 9536098 (cited by Labcorp Genetics (formerly Invitae), Labcorp); PubMed 18181215 (cited by Labcorp Genetics (formerly Invitae), Labcorp); PubMed 21520333 (cited by Labcorp Genetics (formerly Invitae), Labcorp).

NM_000321.3(RB1):c.1332G>C (p.Gln444His)

Gene: RB1 (RB transcriptional corepressor 1; plus strand). Cytogenetic location: 13q14.2.
Variant type: single nucleotide variant.
Coding change: c.1332G>C on transcript NM_000321.3 (MANE Select); coding-DNA position 1332, G replaced by C.
Protein change: p.Gln444His; replaces glutamine 444 with histidine.
Molecular consequence: missense variant.
Genome position (GRCh38, 1-based): chr13:48,377,034, G>C. VCF-style: chr13-48377034-G-C. GRCh37 (hg19) VCF-style: chr13-48951170-G-C.
Other names: short protein forms Q444H.
Identifiers: ClinVar variation 527917 (VCV000527917.9), dbSNP rs1555286250, ClinGen allele CA388162194.